The following is an entry in ClinVar:

NM_024537.4(CARS2):c.880C>T (p.His294Tyr)

Gene: CARS2 (cysteinyl-tRNA synthetase 2, mitochondrial; minus strand). Cytogenetic location: 13q34.
Variant type: single nucleotide variant.
Coding change: c.880C>T on transcript NM_024537.4 (MANE Select); coding-DNA position 880, C replaced by T.
Protein change: p.His294Tyr; replaces histidine 294 with tyrosine.
Molecular consequence: missense variant. On other transcripts: non-coding transcript variant (2).
Genome position (GRCh38, 1-based): chr13:110,667,379, G>A on the plus strand (C>T on the coding strand, the complement: CARS2 is on the minus strand). VCF-style: chr13-110667379-G-A. GRCh37 (hg19) VCF-style: chr13-111319726-G-A.
Other names: c.94C>T, p.His32Tyr (NM_001352252.2); c.880C>T, p.His294Tyr (NM_001352253.3); short protein forms H294Y, H32Y.
Identifiers: ClinVar variation 475637 (VCV000475637.11), dbSNP rs201349963, ClinGen allele CA7052050.

ClinVar aggregate classification (germline): Uncertain significance (1 of 4 stars; one submission).

Conditions:
Combined oxidative phosphorylation defect type 27. Also called: Combined oxidative phosphorylation deficiency 27. Identifiers: Orphanet 477774, MedGen C5567608, MONDO:0014728, OMIM 616672.

Allele frequency attached by ClinVar (database versions not stated): TOPMed below 0.00001; ExAC 0.00001; gnomAD 0.00001; gnomAD exomes 0.00001; 1000 Genomes Project 30x 0.00016; 1000 Genomes Project 0.00020.
gnomAD v4.1: 22 of 1,613,456 alleles (0.0014%); highest among the groups gnomAD compares: East Asian, 0.047%; no homozygotes.

Submission:

Labcorp Genetics (formerly Invitae), Labcorp
Classification: Uncertain significance for Combined oxidative phosphorylation defect type 27. Last evaluated: 2019-07-18. Review status: criteria provided, single submitter. Criteria: Invitae Variant Classification Sherloc (09022015). Collection method: clinical testing. Allele origin: germline.
Comment: This sequence change replaces histidine with tyrosine at codon 294 of the CARS2 protein (p.His294Tyr). The histidine residue is highly conserved and there is a moderate physicochemical difference between histidine and tyrosine. This variant is present in population databases (rs201349963, ExAC 0.01%). In summary, this variant has uncertain impact on CARS2 function. The available evidence is currently insufficient to determine its role in disease. Therefore, it has been classified as a Variant of Uncertain Significance. Algorithms developed to predict the effect of missense changes on protein structure and function do not agree on the potential impact of this missense change (SIFT: "Tolerated"; PolyPhen-2: "Probably Damaging"; Align-GVGD: "Class C0"). This variant has not been reported in the literature in individuals with a CARS2-related disease.